The following is an entry in ClinVar:

ClinVar aggregate classification (germline): Uncertain significance (1 of 4 stars; one submission).

Submission:

Labcorp Genetics (formerly Invitae), Labcorp
Classification: Uncertain significance. Last evaluated: 2025-10-19. Review status: criteria provided, single submitter. Criteria: Invitae Variant Classification Sherloc (09022015). Collection method: clinical testing. Allele origin: germline.
Comment: This sequence change creates a premature translational stop signal (p.Ala659Glyfs*31) in the RASA2 gene. It is expected to result in an absent or disrupted protein product. However, the current clinical and genetic evidence is not sufficient to establish whether loss-of-function variants in RASA2 cause disease. This variant is not present in population databases (gnomAD no frequency). This variant has not been reported in the literature in individuals affected with RASA2-related conditions. In summary, the available evidence is currently insufficient to determine the role of this variant in disease. Therefore, it has been classified as a Variant of Uncertain Significance.

NM_006506.5(RASA2):c.1975dup (p.Ala659fs)

Gene: RASA2 (RAS p21 protein activator 2; plus strand). Cytogenetic location: 3q23.
Variant type: Duplication.
Coding change: c.1975dup on transcript NM_006506.5 (MANE Select); coding-DNA position 1975, one base duplicated (G; older notation c.1975dupG).
Protein change: p.Ala659fs; shifts the reading frame from alanine 659.
Molecular consequence: frameshift variant.
Genome position (GRCh38, 1-based): chr3:141,607,719, G duplicated. VCF-style (leftmost placement, unchanged base first): chr3-141607718-T-TG. GRCh37 (hg19) VCF-style: chr3-141326560-T-TG.
Other names: c.1978dup, p.Ala660fs (NM_001303245.3); c.1987dup, p.Ala663fs (NM_001303246.3); short protein forms A660fs, A659fs, A663fs.
Identifiers: ClinVar variation 4729489 (VCV004729489.1).